The following is an entry in ClinVar:

NM_001106.4(ACVR2B):c.930C>T (p.Gly310=)

Gene: ACVR2B (activin A receptor type 2B; plus strand). Cytogenetic location: 3p22.2.
Variant type: single nucleotide variant.
Coding change: c.930C>T on transcript NM_001106.4 (MANE Select); coding-DNA position 930, C replaced by T.
Protein change: p.Gly310=; no amino-acid change (glycine 310 retained).
Molecular consequence: synonymous variant.
Genome position (GRCh38, 1-based): chr3:38,479,797, C>T. VCF-style: chr3-38479797-C-T. GRCh37 (hg19) VCF-style: chr3-38521288-C-T.
Identifiers: ClinVar variation 2183847 (VCV002183847.5), dbSNP rs200335360, ClinGen allele CA2318943.

ClinVar aggregate classification (germline): Uncertain significance (1 of 4 stars; one submission).

Conditions:
Heterotaxy, visceral, 4, autosomal (HTX4). Identifiers: Orphanet 450, MedGen C3151057, MONDO:0013403, OMIM 613751.

Allele frequency attached by ClinVar (database versions not stated): gnomAD 0.00002; gnomAD exomes 0.00002; TOPMed 0.00002; ExAC 0.00003; ESP Exome Variant Server 0.00008; 1000 Genomes Project 30x 0.00016.
gnomAD v4.1: 28 of 1,614,176 alleles (0.0017%); highest among the groups gnomAD compares: Admixed American, 0.005%; no homozygotes.

Submissions (2):

Labcorp Genetics (formerly Invitae), Labcorp
Classification: Uncertain significance for Heterotaxy, visceral, 4, autosomal. Last evaluated: 2022-11-01. Review status: criteria provided, single submitter. Criteria: Invitae Variant Classification Sherloc (09022015). Collection method: clinical testing. Allele origin: germline.
Comment: In summary, the available evidence is currently insufficient to determine the role of this variant in disease. Therefore, it has been classified as a Variant of Uncertain Significance. Algorithms developed to predict the effect of sequence changes on RNA splicing suggest that this variant may create or strengthen a splice site. This variant has not been reported in the literature in individuals affected with ACVR2B-related conditions. This variant is present in population databases (rs200335360, gnomAD 0.008%). This sequence change affects codon 310 of the ACVR2B mRNA. It is a 'silent' change, meaning that it does not change the encoded amino acid sequence of the ACVR2B protein.

Dr. Peter K. Rogan Lab, Western University
No classification provided (evidence only). Condition: Nonpapillary renal cell carcinoma. Review status: no classification provided. Collection method: in vitro. Allele origin: not applicable. Functional consequence: retained intron. Not counted in ClinVar's aggregate classification.